The following is an entry in ClinVar:

ClinVar aggregate classification (germline): Uncertain significance (1 of 4 stars; one submission).

Conditions:
Erythrocytosis, familial, 3 (ECYT3). Identifiers: Orphanet 247511, MedGen C1853286, MONDO:0012353, OMIM 609820.

Submission:

Labcorp Genetics (formerly Invitae), Labcorp
Classification: Uncertain significance for Erythrocytosis, familial, 3. Last evaluated: 2021-10-05. Review status: criteria provided, single submitter. Criteria: Invitae Variant Classification Sherloc (09022015). Collection method: clinical testing. Allele origin: germline.
Comment: This variant results in a copy number gain of the genomic region encompassing the full coding sequence of the EGLN1 gene. The boundaries of this event are unknown as they extend beyond the assayed region for this gene and therefore may encompass additional genes. As the precise location of this event is unknown, it may be in tandem or it may be located elsewhere in the genome. This variant has not been reported in the literature in individuals with EGLN1-related conditions. In summary, the available evidence is currently insufficient to determine the role of this variant in disease. Therefore, it has been classified as a Variant of Uncertain Significance.

NC_000001.10:g.(?_231502157)_(231557634_?)dup

Gene: EGLN1 (egl-9 family hypoxia inducible factor 1; minus strand). Cytogenetic location: 1q42.2.
Variant type: Duplication.
Identifiers: ClinVar variation 1412307 (VCV001412307.3).